The following is an entry in ClinVar:

NM_000059.4(BRCA2):c.1073T>A (p.Val358Glu)

Gene: BRCA2 (BRCA2 DNA repair associated; plus strand). Cytogenetic location: 13q13.1.
Variant type: single nucleotide variant.
Coding change: c.1073T>A on transcript NM_000059.4 (MANE Select); coding-DNA position 1073, T replaced by A.
Protein change: p.Val358Glu; replaces valine 358 with glutamic acid.
Molecular consequence: missense variant. On other transcripts: non-coding transcript variant (1), intron variant (1).
Genome position (GRCh38, 1-based): chr13:32,332,551, T>A. VCF-style: chr13-32332551-T-A. GRCh37 (hg19) VCF-style: chr13-32906688-T-A.
Other names: c.1073T>A, p.Val358Glu (NM_001406720.1, NM_001406719.1, NM_001406721.1 and 1 more transcripts); c.424+1521T>A (NM_001406722.1); short protein forms V358E.
Identifiers: ClinVar variation 3825424 (VCV003825424.1).
Genomic context (GRCh38, chr13:32,332,551, plus strand): 5'-CTGATGAATGTGAAAAATCTAAAAACCAAGTGAAAGAAAAATACTCATTTGTATCTGAAG[T>A]GGAACCAAATGATACTGATCCATTAGATTCAAATGTAGCAAATCAGAAGCCCTTTGAGAG-3'
Protein context (NP_000050.3, residues 348-368): VKEKYSFVSE[Val358Glu]EPNDTDPLDS

ClinVar aggregate classification (germline): Uncertain significance (1 of 4 stars; one submission).

Conditions:
Hereditary cancer-predisposing syndrome. Also called: Hereditary neoplastic syndrome; Neoplastic Syndromes, Hereditary; Tumor predisposition; Hereditary Cancer Syndrome. Identifiers: Orphanet 140162, MedGen C0027672, MeSH D009386, MONDO:0015356.

Submission:

Ambry Genetics
Classification: Uncertain significance for Hereditary cancer-predisposing syndrome. Last evaluated: 2025-01-09. Review status: criteria provided, single submitter. Criteria: Ambry Variant Classification Scheme 2023. Collection method: clinical testing. Allele origin: germline.
Comment: The p.V358E variant (also known as c.1073T>A), located in coding exon 9 of the BRCA2 gene, results from a T to A substitution at nucleotide position 1073. The valine at codon 358 is replaced by glutamic acid, an amino acid with dissimilar properties. This amino acid position is conserved. In addition, this alteration is predicted to be tolerated by in silico analysis. Based on the available evidence, the clinical significance of this variant remains unclear.